The following is an entry in ClinVar:

NM_000179.3(MSH6):c.3708T>G (p.Ala1236=)

Gene: MSH6 (mutS homolog 6; plus strand). Cytogenetic location: 2p16.3.
Variant type: single nucleotide variant.
Coding change: c.3708T>G on transcript NM_000179.3 (MANE Select); coding-DNA position 3708, T replaced by G.
Protein change: p.Ala1236=; no amino-acid change (alanine 1236 retained).
Molecular consequence: synonymous variant. On other transcripts: non-coding transcript variant (5).
Genome position (GRCh38, 1-based): chr2:47,806,265, T>G. VCF-style: chr2-47806265-T-G. GRCh37 (hg19) VCF-style: chr2-48033404-T-G.
Other names: c.3318T>G, p.Ala1106= (NM_001281492.2); c.2802T>G, p.Ala934= (NM_001281493.2, NM_001281494.2, NM_001406811.1 and 6 more transcripts); c.3804T>G, p.Ala1268= (NM_001406795.1, NM_001406802.1); c.3708T>G, p.Ala1236= (NM_001406796.1, NM_001406800.1, NM_001406808.1 and 1 more transcripts); c.3411T>G, p.Ala1137= (NM_001406797.1, NM_001406801.1, NM_001406805.1 and 10 more transcripts); c.3534T>G, p.Ala1178= (NM_001406798.1); c.3183T>G, p.Ala1061= (NM_001406799.1, NM_001406806.1, NM_001406807.1); c.2844T>G, p.Ala948= (NM_001406803.1); and 7 more.
Identifiers: ClinVar variation 1734164 (VCV001734164.4), dbSNP rs1553333043, ClinGen allele CA425997930.
Genomic context (GRCh38, chr2:47,806,265, plus strand): 5'-AAGAGGTACTGCAACATTTGATGGGACGGCAATAGCAAATGCAGTTGTTAAAGAACTTGC[T>G]GAGACTATAAAATGTCGTACATTATTTTCAACTCACTACCATTCATTAGTAGAAGATTAT-3'
Protein context (NP_000170.1, residues 1226-1246): AIANAVVKEL[Ala1236=]ETIKCRTLFS

ClinVar aggregate classification (germline): Benign/Likely benign. Review status: criteria provided, multiple submitters, no conflicts (2 of 4 stars). 3 submissions from 3 submitters: Benign (1); Likely benign (2). Last evaluated 2025-08-15.

Conditions:
Hereditary nonpolyposis colorectal neoplasms. Identifiers: MedGen C0009405, MeSH D003123.
Hereditary cancer-predisposing syndrome. Also called: Neoplastic Syndromes, Hereditary; Tumor predisposition; Hereditary Cancer Syndrome; Hereditary neoplastic syndrome. Identifiers: Orphanet 140162, MedGen C0027672, MeSH D009386, MONDO:0015356.
Lynch syndrome 5 (LYNCH5). Also called: Colorectal cancer, hereditary nonpolyposis, type 5; Hereditary non-polyposis colorectal cancer, type 5. Identifiers: Orphanet 144, MedGen C1833477, MONDO:0013710, OMIM 614350. Disease mechanism: loss of function.

Submissions (3):

Labcorp Genetics (formerly Invitae), Labcorp
Classification: Likely benign for Hereditary nonpolyposis colorectal neoplasms. Last evaluated: 2025-08-15. Review status: criteria provided, single submitter. Criteria: Invitae Variant Classification Sherloc (09022015). Collection method: clinical testing. Allele origin: germline.

Myriad Genetics, Inc.
Classification: Benign for Lynch syndrome 5. Last evaluated: 2025-01-07. Review status: criteria provided, single submitter. Criteria: Myriad Autosomal Dominant, Autosomal Recessive and X-Linked Classification Criteria (2023). Collection method: clinical testing. Allele origin: unknown.
Comment: This variant is considered benign. This variant is a silent/synonymous amino acid change and it is not expected to impact splicing.

Ambry Genetics
Classification: Likely benign for Hereditary cancer-predisposing syndrome. Last evaluated: 2022-03-08. Review status: criteria provided, single submitter. Criteria: Ambry Variant Classification Scheme 2023. Collection method: clinical testing. Allele origin: germline.